The following is an entry in ClinVar:

ClinVar aggregate classification (germline): Uncertain significance (1 of 4 stars; one submission).

Allele frequency attached by ClinVar (database versions not stated): TOPMed below 0.00001; gnomAD 0.00005; 1000 Genomes Project 30x 0.00062; 1000 Genomes Project 0.00080.
gnomAD v4.1: 126 of 1,614,192 alleles (0.0078%); highest among the groups gnomAD compares: South Asian, 0.13%; 4 homozygotes.

Submission:

Labcorp Genetics (formerly Invitae), Labcorp
Classification: Uncertain significance. Last evaluated: 2025-11-24. Review status: criteria provided, single submitter. Criteria: Invitae Variant Classification Sherloc (09022015). Collection method: clinical testing. Allele origin: germline.
Comment: This sequence change replaces serine, which is neutral and polar, with asparagine, which is neutral and polar, at codon 460 of the RFWD3 protein (p.Ser460Asn). This variant is present in population databases (rs545140006, gnomAD 0.2%), and has an allele count higher than expected for a pathogenic variant. This variant has not been reported in the literature in individuals affected with RFWD3-related conditions. ClinVar contains an entry for this variant (Variation ID: 2413810). An algorithm developed to predict the effect of missense changes on protein structure and function outputs the following: PolyPhen-2: "Benign". The asparagine amino acid residue is found in multiple mammalian species, which suggests that this missense change does not adversely affect protein function. In summary, the available evidence is currently insufficient to determine the role of this variant in disease. Therefore, it has been classified as a Variant of Uncertain Significance.

NM_018124.4(RFWD3):c.1379G>A (p.Ser460Asn)

Gene: RFWD3 (ring finger and WD repeat domain 3; minus strand). Cytogenetic location: 16q23.1.
Variant type: single nucleotide variant.
Coding change: c.1379G>A on transcript NM_018124.4 (MANE Select); coding-DNA position 1379, G replaced by A.
Protein change: p.Ser460Asn; replaces serine 460 with asparagine.
Molecular consequence: missense variant.
Genome position (GRCh38, 1-based): chr16:74,636,393, C>T on the plus strand (G>A on the coding strand, the complement: RFWD3 is on the minus strand). VCF-style: chr16-74636393-C-T. GRCh37 (hg19) VCF-style: chr16-74670291-C-T.
Other names: c.1379G>A, p.Ser460Asn (NM_001370534.1, NM_001370535.1, NM_001370536.1); c.545G>A, p.Ser182Asn (NM_001370537.1, NM_001370539.1, NM_001370540.1 and 3 more transcripts); short protein forms S182N, S460N.
Identifiers: ClinVar variation 2413810 (VCV002413810.6), dbSNP rs545140006, ClinGen allele CA8169234.